The following is an entry in ClinVar:

NM_006031.6(PCNT):c.4954G>A (p.Glu1652Lys)

Gene: PCNT (pericentrin; plus strand). Cytogenetic location: 21q22.3.
Variant type: single nucleotide variant.
Coding change: c.4954G>A on transcript NM_006031.6 (MANE Select); coding-DNA position 4954, G replaced by A.
Protein change: p.Glu1652Lys; replaces glutamic acid 1652 with lysine.
Molecular consequence: missense variant.
Genome position (GRCh38, 1-based): chr21:46,401,713, G>A. VCF-style: chr21-46401713-G-A. GRCh37 (hg19) VCF-style: chr21-47821627-G-A.
Other names: c.4600G>A, p.Glu1534Lys (NM_001315529.2); short protein forms E1534K, E1652K.
Identifiers: ClinVar variation 2634201 (VCV002634201.3), dbSNP rs766015045, ClinGen allele CA10079826.

ClinVar aggregate classification (germline): Uncertain significance. Review status: criteria provided, multiple submitters, no conflicts (2 of 4 stars). 2 submissions from 2 submitters: Uncertain significance (2). Last evaluated 2025-11-26.

Conditions:
PCNT-related disorder. Also called: PCNT-related condition.
Inborn genetic diseases. Identifiers: MedGen C0950123, MeSH D030342.

Allele frequency attached by ClinVar (database versions not stated): gnomAD 0.00001; TOPMed 0.00001; ExAC 0.00002; gnomAD exomes 0.00003.

Submissions (2):

Ambry Genetics
Classification: Uncertain significance for Inborn genetic diseases. Last evaluated: 2025-11-26. Review status: criteria provided, single submitter. Criteria: Ambry Variant Classification Scheme 2023. Collection method: clinical testing. Allele origin: germline.

PreventionGenetics, part of Exact Sciences
Classification: Uncertain significance for PCNT-related condition. Last evaluated: 2024-11-04. Review status: criteria provided, single submitter. Criteria: ACMG Guidelines, 2015. Collection method: clinical testing. Allele origin: germline.
Comment: The PCNT c.4954G>A variant is predicted to result in the amino acid substitution p.Glu1652Lys. To our knowledge, this variant has not been reported in the literature. This variant is reported in 0.0027% of alleles in individuals of European (Non-Finnish) descent in gnomAD. At this time, the clinical significance of this variant is uncertain due to the absence of conclusive functional and genetic evidence.